The following is an entry in ClinVar:

NM_005732.4(RAD50):c.2724T>C (p.Ala908=)

Gene: RAD50 (RAD50 double strand break repair protein; plus strand). Cytogenetic location: 5q31.1.
Variant type: single nucleotide variant.
Coding change: c.2724T>C on transcript NM_005732.4 (MANE Select); coding-DNA position 2724, T replaced by C.
Protein change: p.Ala908=; no amino-acid change (alanine 908 retained).
Molecular consequence: synonymous variant.
Genome position (GRCh38, 1-based): chr5:132,608,620, T>C. VCF-style: chr5-132608620-T-C. GRCh37 (hg19) VCF-style: chr5-131944312-T-C.
Identifiers: ClinVar variation 231046 (VCV000231046.19), dbSNP rs780078592, ClinGen allele CA10578577.

ClinVar aggregate classification (germline): Likely benign. Review status: criteria provided, multiple submitters, no conflicts (2 of 4 stars). 4 submissions from 4 submitters: Likely benign (3). 1 of the submissions does not count toward it. Last evaluated 2023-12-19.

Conditions:
Hereditary cancer-predisposing syndrome. Also called: Neoplastic Syndromes, Hereditary; Tumor predisposition; Hereditary Cancer Syndrome; Hereditary neoplastic syndrome. Identifiers: Orphanet 140162, MedGen C0027672, MeSH D009386, MONDO:0015356.
RAD50-related disorder. Also called: RAD50-related condition.

Allele frequency attached by ClinVar (database versions not stated): TOPMed 0.00001.
gnomAD v4.1: 7 of 1,581,710 alleles (0.00044%); highest among the groups gnomAD compares: Admixed American, 0.01%; no homozygotes.

Submissions (4):

Labcorp Genetics (formerly Invitae), Labcorp
Classification: Likely benign for Hereditary cancer-predisposing syndrome. Last evaluated: 2023-12-19. Review status: criteria provided, single submitter. Criteria: Invitae Variant Classification Sherloc (09022015). Collection method: clinical testing. Allele origin: germline.

Ambry Genetics
Classification: Likely benign for Hereditary cancer-predisposing syndrome. Last evaluated: 2015-03-27. Review status: criteria provided, single submitter. Criteria: Ambry Variant Classification Scheme 2023. Collection method: clinical testing. Allele origin: germline.

Breakthrough Genomics
Classification: Likely benign. Review status: criteria provided, single submitter. Criteria: ACMG Guidelines, 2015. Collection method: not provided. Allele origin: germline. Inheritance: Autosomal recessive inheritance. Affected: yes.

PreventionGenetics, part of Exact Sciences
Classification: Likely benign for RAD50-related condition. Last evaluated: 2022-07-12. Review status: no assertion criteria provided. Collection method: clinical testing. Allele origin: germline. Not counted in ClinVar's aggregate classification.
Comment: This variant is classified as likely benign based on ACMG/AMP sequence variant interpretation guidelines (Richards et al. 2015 PMID: 25741868, with internal and published modifications).